The following is an entry in ClinVar:

NM_001365088.1(SLC12A6):c.2036A>G (p.Tyr679Cys)

Gene: SLC12A6 (solute carrier family 12 member 6; minus strand). Cytogenetic location: 15q14.
Variant type: single nucleotide variant.
Coding change: c.2036A>G on transcript NM_001365088.1 (MANE Select); coding-DNA position 2036, A replaced by G.
Protein change: p.Tyr679Cys; replaces tyrosine 679 with cysteine.
Molecular consequence: missense variant.
Genome position (GRCh38, 1-based): chr15:34,243,980, T>C on the plus strand (A>G on the coding strand, the complement: SLC12A6 is on the minus strand). VCF-style: chr15-34243980-T-C. GRCh37 (hg19) VCF-style: chr15-34536181-T-C.
Other names: c.1859A>G, p.Tyr620Cys (NM_001042494.2, NM_001042495.2); c.2009A>G, p.Tyr670Cys (NM_001042496.2); c.1991A>G, p.Tyr664Cys (NM_001042497.2); c.1883A>G, p.Tyr628Cys (NM_005135.2); c.2036A>G, p.Tyr679Cys (NM_133647.2); short protein forms Y664C, Y670C, Y628C, Y679C, Y620C.
Identifiers: ClinVar variation 1454158 (VCV001454158.7), dbSNP rs2140682156, ClinGen allele CA391620478.
Genomic context (GRCh38, chr15:34,243,980, plus strand): 5'-CAAAGATGGGTTCTCTCCAAACGTGAGTAAAAAGAATAAAAGAAGCAGACTTACCAATGG[T>C]AGTAGCGGAATCGGGGTCTCCAGTTGGGTGTTCGAAGTAATGTTTGCAAGGCACATGCCA-3'
Protein context (NP_001352017.1, residues 669-689): TPNWRPRFRY[Tyr679Cys]HWALSFMGMS

ClinVar aggregate classification (germline): Pathogenic. Review status: criteria provided, single submitter (1 of 4 stars). 2 submissions from 2 submitters: Pathogenic (1). 1 of the submissions does not count toward it. Last evaluated 2021-10-15.

Conditions:
Charcot-Marie-Tooth disease, axonal, IIa 2II. Also called: CHARCOT-MARIE-TOOTH NEUROPATHY, TYPE 2II; Charcot-Marie-Tooth disease, axonal, type 2II; Charcot-marie-tooth disease, axonal,IIa 2II. Identifiers: MedGen C5774227, MONDO:0031068, OMIM 620068.

Submissions (2):

Labcorp Genetics (formerly Invitae), Labcorp
Classification: Pathogenic. Last evaluated: 2021-10-15. Review status: criteria provided, single submitter. Criteria: Invitae Variant Classification Sherloc (09022015). Collection method: clinical testing. Allele origin: germline.
Comment: For these reasons, this variant has been classified as Pathogenic. Experimental studies have shown that this missense change affects SLC12A6 function (PMID: 31439721). Advanced modeling of protein sequence and biophysical properties (such as structural, functional, and spatial information, amino acid conservation, physicochemical variation, residue mobility, and thermodynamic stability) performed at Invitae indicates that this missense variant is expected to disrupt SLC12A6 protein function. This missense change has been observed in individual(s) with Charcot-Marie-Tooth disease (PMID: 31439721). In at least one individual the variant was observed to be de novo. This variant is not present in population databases (ExAC no frequency). This sequence change replaces tyrosine with cysteine at codon 679 of the SLC12A6 protein (p.Tyr679Cys). The tyrosine residue is moderately conserved and there is a large physicochemical difference between tyrosine and cysteine.

OMIM
Classification: Pathogenic for CHARCOT-MARIE-TOOTH DISEASE, AXONAL, TYPE 2II. Last evaluated: 2022-10-07. Review status: no assertion criteria provided. Collection method: literature only. Allele origin: germline. Not counted in ClinVar's aggregate classification.

Literature cited by the submitters: PubMed 31439721 (cited by Labcorp Genetics (formerly Invitae), Labcorp and OMIM).